The following is an entry in ClinVar:

ClinVar aggregate classification (germline): Likely benign (1 of 4 stars; one submission).

Conditions:
POLD1-related polyposis and colorectal cancer syndrome (CRCS10). Also called: Colorectal cancer 10; COLORECTAL CANCER, SUSCEPTIBILITY TO, ON CHROMOSOME 19q; Colorectal cancer, susceptibility to, 10. Identifiers: Orphanet 220460, MedGen C2675481, MONDO:0012953, OMIM 612591.

Submission:

Myriad Genetics, Inc.
Classification: Likely benign for POLD1-related polyposis and colorectal cancer syndrome. Last evaluated: 2025-02-06. Review status: criteria provided, single submitter. Criteria: Myriad Autosomal Dominant, Autosomal Recessive and X-Linked Classification Criteria (2023). Collection method: clinical testing. Allele origin: unknown.
Comment: This variant is considered likely benign. This variant is intronic and is not expected to impact mRNA splicing.

NM_002691.4(POLD1):c.1384-5_1384-2dup

Gene: POLD1 (DNA polymerase delta 1, catalytic subunit; plus strand). Cytogenetic location: 19q13.33.
Variant type: Duplication.
Coding change: c.1384-5_1384-2dup on transcript NM_002691.4 (MANE Select); 5 bases into the intron before coding-DNA position 1384 through the canonical splice acceptor site of the intron before coding-DNA position 1384, 4 bases duplicated (CCTA; older notation c.1384-5_1384-2dupCCTA).
Molecular consequence: splice acceptor variant.
Genome position (GRCh38, 1-based): chr19:50,406,402-50,406,405, CCTA duplicated; duplicating any 4 consecutive bases within chr19:50,406,401-50,406,405 gives the same sequence; the c. name uses the placement nearest the transcript's 3' end. VCF-style (leftmost placement, unchanged base first): chr19-50406400-C-CACCT. GRCh37 (hg19) VCF-style: chr19-50909657-C-CACCT.
Other names: c.1384-5_1384-2dup (NM_001256849.1, NM_001308632.1).
Identifiers: ClinVar variation 3904370 (VCV003904370.1).
Genomic context (GRCh38, chr19:50,406,400, plus strand): 5'-GGTGTGTCCCTGTCCTTGGAAGGCCACTGCCCAGGCCCGCAGCCCACCAGCCCACCCACC[C>CACCT]ACCTAGGTGCTGCTGCGGGAGTACAAGCTCCGCTCCTACACGCTCAATGCCGTGAGCTTC-3'